The following is an entry in ClinVar:

ClinVar aggregate classification (germline): Uncertain significance (1 of 4 stars; one submission).

Conditions:
CUX1-related disorder. Also called: CUX1-related condition.

Submission:

PreventionGenetics, part of Exact Sciences
Classification: Uncertain significance for CUX1-related condition. Last evaluated: 2025-11-20. Review status: criteria provided, single submitter. Criteria: ACMG Guidelines, 2015. Collection method: clinical testing. Allele origin: germline.
Comment: The CUX1 c.1291A>C variant is predicted to result in the amino acid substitution p.Ser431Arg. To our knowledge, this variant has not been reported in the literature or in a large population database (gnomAD), indicating this variant is rare. At this time, the clinical significance of this variant is uncertain due to the absence of conclusive functional and genetic evidence.

NM_181552.4(CUX1):c.1258A>C (p.Ser420Arg)

Gene: CUX1 (cut like homeobox 1; plus strand). Cytogenetic location: 7q22.1.
Variant type: single nucleotide variant.
Coding change: c.1258A>C on transcript NM_181552.4 (MANE Select); coding-DNA position 1258, A replaced by C.
Protein change: p.Ser420Arg; replaces serine 420 with arginine.
Molecular consequence: missense variant. On other transcripts: intron variant (5).
Genome position (GRCh38, 1-based): chr7:102,196,669, A>C. VCF-style: chr7-102196669-A-C. GRCh37 (hg19) VCF-style: chr7-101839949-A-C.
Other names: c.1291A>C, p.Ser431Arg (NM_001202543.2); c.1255+1066A>C (NM_001913.5); c.1249+1066A>C (NM_181500.4); c.1117+1066A>C (NM_001202545.3); c.1207+1066A>C (NM_001202544.3); c.1138+1066A>C (NM_001202546.3); short protein forms S431R, S420R.
Identifiers: ClinVar variation 4978930 (VCV004978930.1).